The following is an entry in ClinVar:

ClinVar aggregate classification (germline): Uncertain significance (1 of 4 stars; one submission).

Submission:

Ambry Genetics
Classification: Uncertain significance. Last evaluated: 2025-03-24. Review status: criteria provided, single submitter. Criteria: Ambry Variant Classification Scheme 2023. Collection method: clinical testing. Allele origin: germline.
Comment: The p.N328D variant (also known as c.982A>G), located in coding exon 7 of the RINT1 gene, results from an A to G substitution at nucleotide position 982. The asparagine at codon 328 is replaced by aspartic acid, an amino acid with highly similar properties. This amino acid position is conserved. In addition, this alteration is predicted to be tolerated by in silico analysis. Based on the available evidence, the clinical significance of this variant remains unclear.

NM_021930.6(RINT1):c.982A>G (p.Asn328Asp)

Gene: RINT1 (RAD50 interactor 1; plus strand). Cytogenetic location: 7q22.3.
Variant type: single nucleotide variant.
Coding change: c.982A>G on transcript NM_021930.6 (MANE Select); coding-DNA position 982, A replaced by G.
Protein change: p.Asn328Asp; replaces asparagine 328 with aspartic acid.
Molecular consequence: missense variant. On other transcripts: 5 prime UTR variant (1), non-coding transcript variant (1), intron variant (1).
Genome position (GRCh38, 1-based): chr7:105,548,696, A>G. VCF-style: chr7-105548696-A-G. GRCh37 (hg19) VCF-style: chr7-105189143-A-G.
Other names: c.748A>G, p.Asn250Asp (NM_001346599.2); c.-38A>G (NM_001346600.2); c.58A>G, p.Asn20Asp (NM_001346601.2); c.-27-1359A>G (NM_001346603.2); short protein forms N20D, N250D, N328D.
Identifiers: ClinVar variation 3945974 (VCV003945974.1).
Genomic context (GRCh38, chr7:105,548,696, plus strand): 5'-GTTATGCTGACTCCTCTTCAGAAGAGGTTCAGGTATCACTTCAGAGGGAACCGGCAGACT[A>G]ATGTGTTAAGCAAGGTGTGTTTTGCCAGCTCTTGTCCTTGGTTTTTATTGGTAACAAATG-3'
Protein context (NP_068749.3, residues 318-338): RYHFRGNRQT[Asn328Asp]VLSKPEWYLA